The following is an entry in ClinVar:

NM_000642.3(AGL):c.893T>C (p.Leu298Pro)

Gene: AGL (amylo-alpha-1,6-glucosidase and 4-alpha-glucanotransferase; plus strand). Cytogenetic location: 1p21.2.
Variant type: single nucleotide variant.
Coding change: c.893T>C on transcript NM_000642.3 (MANE Select); coding-DNA position 893, T replaced by C.
Protein change: p.Leu298Pro; replaces leucine 298 with proline.
Molecular consequence: missense variant.
Genome position (GRCh38, 1-based): chr1:99,870,804, T>C. VCF-style: chr1-99870804-T-C. GRCh37 (hg19) VCF-style: chr1-100336360-T-C.
Other names: c.893T>C, p.Leu298Pro (NM_000644.3, NM_000028.3, NM_001425325.1 and 3 more transcripts); c.845T>C, p.Leu282Pro (NM_000646.3); c.515T>C, p.Leu172Pro (NM_001425332.1); c.689T>C, p.Leu230Pro (NM_001425328.1, NM_001425329.1); short protein forms L282P, L298P, L172P, L230P.
Identifiers: ClinVar variation 1705382 (VCV001705382.1), dbSNP rs2524563223, ClinGen allele CA341341524.

ClinVar aggregate classification (germline): Uncertain significance (1 of 4 stars; one submission).

Conditions:
Glycogen storage disease type III (GSD3). Also called: Cori disease; FORBES DISEASE. Identifiers: Orphanet 366, MedGen C0017922, MONDO:0009291, OMIM 232400.

Submission:

3billion
Classification: Uncertain significance for Glycogen storage disease type III. Last evaluated: 2022-09-01. Review status: criteria provided, single submitter. Criteria: ACMG Guidelines, 2015. Collection method: clinical testing. Allele origin: germline. Affected: yes. Observed: 1 heterozygote.
Comment: The variant is not observed in the gnomAD v2.1.1 dataset. While this variant results in missense change, protein truncation variants are a common disease-causing mechanism. In silico tool predictions suggest damaging effect of the variant on gene or gene product (REVEL: 0.90; 3Cnet: 0.97). Therefore, this variant is classified as uncertain significance according to the recommendation of ACMG/AMP guideline.